The following is an entry in ClinVar:

ClinVar aggregate classification (germline): Uncertain significance. Review status: criteria provided, multiple submitters, no conflicts (2 of 4 stars). 2 submissions from 2 submitters: Uncertain significance (2). Last evaluated 2024-08-21.

Conditions:
Hereditary sensory and autonomic neuropathy type 1 (HSAN1). Also called: HSN Type I; Hereditary Sensory Neuropathy Type I; HSAN 1. Identifiers: Orphanet 36386, MedGen C0020071, MONDO:0018213.

Submissions (2):

Blueprint Genetics
Classification: Uncertain significance. Last evaluated: 2024-08-21. Review status: criteria provided, single submitter. Criteria: ACMG Guidelines, 2015. Collection method: clinical testing. Allele origin: germline.

Labcorp Genetics (formerly Invitae), Labcorp
Classification: Uncertain significance for Hereditary sensory and autonomic neuropathy type 1. Last evaluated: 2022-04-18. Review status: criteria provided, single submitter. Criteria: Invitae Variant Classification Sherloc (09022015). Collection method: clinical testing. Allele origin: germline.
Comment: In summary, the available evidence is currently insufficient to determine the role of this variant in disease. Therefore, it has been classified as a Variant of Uncertain Significance. Algorithms developed to predict the effect of missense changes on protein structure and function are either unavailable or do not agree on the potential impact of this missense change (SIFT: "Deleterious"; PolyPhen-2: "Probably Damaging"; Align-GVGD: "Class C0"). ClinVar contains an entry for this variant (Variation ID: 962757). This variant has not been reported in the literature in individuals affected with SPTLC1-related conditions. This variant is not present in population databases (gnomAD no frequency). This sequence change replaces serine, which is neutral and polar, with leucine, which is neutral and non-polar, at codon 165 of the SPTLC1 protein (p.Ser165Leu).

NM_006415.4(SPTLC1):c.494C>T (p.Ser165Leu)

Gene: SPTLC1 (serine palmitoyltransferase long chain base subunit 1; minus strand). Cytogenetic location: 9q22.31.
Variant type: single nucleotide variant.
Coding change: c.494C>T on transcript NM_006415.4 (MANE Select); coding-DNA position 494, C replaced by T.
Protein change: p.Ser165Leu; replaces serine 165 with leucine.
Molecular consequence: missense variant.
Genome position (GRCh38, 1-based): chr9:92,068,032, G>A on the plus strand (C>T on the coding strand, the complement: SPTLC1 is on the minus strand). VCF-style: chr9-92068032-G-A. GRCh37 (hg19) VCF-style: chr9-94830314-G-A.
Other names: c.494C>T, p.Ser165Leu (NM_001281303.2); c.128C>T, p.Ser43Leu (NM_001368272.1); c.29C>T, p.Ser10Leu (NM_001368273.1); short protein forms S10L, S165L, S43L.
Identifiers: ClinVar variation 962757 (VCV000962757.10), dbSNP rs1834354293, ClinGen allele CA373798689.